The following is an entry in ClinVar:

NM_006073.4(TRDN):c.292delinsAA (p.Glu98fs)

Gene: TRDN (triadin; minus strand). Cytogenetic location: 6q22.31.
Variant type: Indel.
Coding change: c.292delinsAA on transcript NM_006073.4 (MANE Select); coding-DNA position 292, G replaced by AA.
Protein change: p.Glu98fs; shifts the reading frame from glutamic acid 98.
Molecular consequence: frameshift variant.
Genome position (GRCh38, 1-based): chr6:123,548,553, C replaced by TT on the plus strand (G replaced by AA on the coding strand, the reverse complement: TRDN is on the minus strand). VCF-style: chr6-123548553-C-TT. GRCh37 (hg19) VCF-style: chr6-123869698-C-TT.
Other names: c.292delinsAA, p.Glu98fs (NM_001251987.2, NM_001256020.2, NM_001256021.2 and 1 more transcripts); c.292delGinsAA, p.Glu98Lysfs (NM_001407315.1); short protein forms E98fs.
Identifiers: ClinVar variation 1797791 (VCV001797791.2), dbSNP rs2534485636, ClinGen allele CA2580074867.
Genomic context (GRCh38, chr6:123,548,553, plus strand): 5'-CTTCAGATGAGATGATGTCAGATAACAAAGAAAAGAAGCCATAGATCCAGTCCGTGGTTT[C>TT]CTCCATAGCATCACGTACCAGTTTTAAAGGATCTGAGCCAATCTTGGCAATAGAGCTTGC-3'

ClinVar aggregate classification (germline): Pathogenic (1 of 4 stars; one submission).

Conditions:
Cardiovascular phenotype. Identifiers: MedGen CN230736.

Submission:

Ambry Genetics
Classification: Pathogenic for Cardiovascular phenotype. Last evaluated: 2022-03-22. Review status: criteria provided, single submitter. Criteria: Ambry Variant Classification Scheme 2023. Collection method: clinical testing. Allele origin: germline.
Comment: The c.292delGinsAA variant, located in coding exon 3 of the TRDN gene, results from the deletion of one nucleotide and insertion of two nucleotides causing a translational frameshift with a predicted alternate stop codon (p.E98Kfs*15). This variant is considered to be rare based on population cohorts in the Genome Aggregation Database (gnomAD). This alteration is expected to result in loss of function by premature protein truncation or nonsense-mediated mRNA decay. As such, this alteration is interpreted as a disease-causing mutation.